The following is an entry in ClinVar:

NM_000135.4(FANCA):c.2021C>A (p.Ser674Ter)

Gene: FANCA (FA complementation group A; minus strand). Cytogenetic location: 16q24.3.
Variant type: single nucleotide variant.
Coding change: c.2021C>A on transcript NM_000135.4 (MANE Select); coding-DNA position 2021, C replaced by A.
Protein change: p.Ser674Ter; replaces serine 674 with a stop codon.
Molecular consequence: nonsense.
Genome position (GRCh38, 1-based): chr16:89,771,808, G>T on the plus strand (C>A on the coding strand, the complement: FANCA is on the minus strand). VCF-style: chr16-89771808-G-T. GRCh37 (hg19) VCF-style: chr16-89838216-G-T.
Other names: c.2021C>A, p.Ser674Ter (NM_001286167.3); c.2021C>A (NM_000135.3); short protein forms S674*.
Identifiers: ClinVar variation 974234 (VCV000974234.6), dbSNP rs17232973, ClinGen allele CA286566599.
Genomic context (GRCh38, chr16:89,771,808, plus strand): 5'-TCATCCTCATTGTGGCCCAGGACAGCCCTCAGTCTTTCAGAAATCACTGCCACCTGTGCC[G>T]ATATAACTGCGAAGGAAGAAACTAGTTAGGGATGACAAGAACCCCGAAAGGAGGGATACA-3'

ClinVar aggregate classification (germline): Pathogenic/Likely pathogenic. Review status: criteria provided, multiple submitters, no conflicts (2 of 4 stars). 4 submissions from 4 submitters: Pathogenic (2); Likely pathogenic (1). 1 of the submissions does not count toward it. Last evaluated 2025-11-17.

Conditions:
Fanconi anemia (FA). Also called: Fanconi's anemia. Identifiers: Orphanet 84, MedGen C0015625, MeSH D005199, MONDO:0019391.
Fanconi anemia complementation group A (FANCA). Also called: Fanconi anemia, group A; FANCA-Related Fanconi Anemia. Identifiers: Orphanet 84, MedGen C3469521, MONDO:0009215, OMIM 227650.

Allele frequency attached by ClinVar (database versions not stated): TOPMed 0.00001.
gnomAD v4.1: 2 of 1,613,818 alleles (0.00012%); highest among the groups gnomAD compares: Non-Finnish European, 0.00017%; no homozygotes.

Submissions (4):

Natera, Inc.
Classification: Pathogenic for Fanconi anemia. Last evaluated: 2025-11-17. Review status: criteria provided, single submitter. Criteria: Natera Variant Classification Schema (03/2026). Collection method: clinical testing. Allele origin: germline.
Comment: The c.2021C>A variant in FANCA is a nonsense variant predicted to introduce a stop codon at amino acid 674. This variant is expected to result in nonsense mediated decay, truncation, or a dysfunctional protein product. This variant is rare in the general population with a frequency below the threshold expected for the associated phenotype(s). This variant has been observed in one or more individuals affected with the associated recessive disease, as either homozygous or compound heterozygous with a second variant (PMID: 35776903). Given the available evidence, this variant is classified as Pathogenic.

Baylor Genetics
Classification: Likely pathogenic for Fanconi anemia complementation group A. Last evaluated: 2023-08-10. Review status: criteria provided, single submitter. Criteria: ACMG Guidelines, 2015. Collection method: clinical testing. Allele origin: unknown.

Labcorp Genetics (formerly Invitae), Labcorp
Classification: Pathogenic for Fanconi anemia. Last evaluated: 2023-05-18. Review status: criteria provided, single submitter. Criteria: Invitae Variant Classification Sherloc (09022015). Collection method: clinical testing. Allele origin: germline.
Comment: For these reasons, this variant has been classified as Pathogenic. Algorithms developed to predict the effect of sequence changes on RNA splicing suggest that this variant may create or strengthen a splice site. ClinVar contains an entry for this variant (Variation ID: 974234). This premature translational stop signal has been observed in individual(s) with Fanconi anemia (PMID: 19367192). This variant is not present in population databases (gnomAD no frequency). This sequence change creates a premature translational stop signal (p.Ser674*) in the FANCA gene. It is expected to result in an absent or disrupted protein product. Loss-of-function variants in FANCA are known to be pathogenic (PMID: 19367192).

Leiden Open Variation Database
Classification: Pathogenic for Fanconi anemia complementation group A. Last evaluated: 2020-02-28. Review status: no assertion criteria provided. Collection method: curation. Allele origin: germline. Affected: yes. Not counted in ClinVar's aggregate classification.
Comment: Curator: Arleen D. Auerbach. Submitter to LOVD: Sue Richards.

Literature cited by the submitters: PubMed 35776903 (cited by Natera, Inc.); PubMed 19367192 (cited by Labcorp Genetics (formerly Invitae), Labcorp and Leiden Open Variation Database).